The following is an entry in ClinVar:

NM_001130438.3(SPTAN1):c.615T>A (p.Val205=)

Gene: SPTAN1 (spectrin alpha, non-erythrocytic 1; plus strand). Cytogenetic location: 9q34.11.
Variant type: single nucleotide variant.
Coding change: c.615T>A on transcript NM_001130438.3 (MANE Select); coding-DNA position 615, T replaced by A.
Protein change: p.Val205=; no amino-acid change (valine 205 retained).
Molecular consequence: synonymous variant.
Genome position (GRCh38, 1-based): chr9:128,575,309, T>A. VCF-style: chr9-128575309-T-A. GRCh37 (hg19) VCF-style: chr9-131337588-T-A.
Other names: p.V205V:GTT>GTA; c.615T>A, p.Val205= (NM_001195532.2, NM_001363759.2, NM_001363765.2 and 1 more transcripts).
Identifiers: ClinVar variation 207313 (VCV000207313.23), dbSNP rs763385120, ClinGen allele CA318658.

ClinVar aggregate classification (germline): Conflicting classifications of pathogenicity. Review status: criteria provided, conflicting classifications (1 of 4 stars). 6 submissions from 6 submitters: Uncertain significance (1); Benign (1); Likely benign (3). 1 of the submissions does not count toward it. Last evaluated 2025-12-01.

Conditions:
SPTAN1-related disorder. Also called: SPTAN1-related disorders; SPTAN1-related condition.
Inborn genetic diseases. Identifiers: MedGen C0950123, MeSH D030342.
Early-infantile DEE. Also called: Ohtahara syndrome; Early infantile epileptic encephalopathy; Early infantile epileptic encephalopathy with suppression bursts. Identifiers: Orphanet 1934, MedGen C0393706, MONDO:0800491.
Developmental and epileptic encephalopathy, 5 (DEE5). Identifiers: Orphanet 3451, MedGen C3150731, MONDO:0013277, OMIM 613477.

Allele frequency attached by ClinVar (database versions not stated): ExAC 0.00001; gnomAD 0.00001; gnomAD exomes 0.00001 and below 0.00001; TOPMed 0.00001.
gnomAD v4.1: 12 of 1,613,602 alleles (0.00074%); highest among the groups gnomAD compares: Middle Eastern, 0.066%; no homozygotes.

Submissions (6):

CeGaT Center for Human Genetics Tuebingen
Classification: Likely benign. Last evaluated: 2025-12-01. Review status: criteria provided, single submitter. Criteria: CeGaT Center For Human Genetics Tuebingen Variant Classification Criteria Version 2. Collection method: clinical testing. Allele origin: germline. Affected: yes. Observed: 1 variant allele.
Comment: SPTAN1: BP4, BP7

Labcorp Genetics (formerly Invitae), Labcorp
Classification: Likely benign for Early-infantile DEE. Last evaluated: 2025-07-23. Review status: criteria provided, single submitter. Criteria: Invitae Variant Classification Sherloc (09022015). Collection method: clinical testing. Allele origin: germline.

Genome-Nilou Lab
Classification: Benign for Developmental and epileptic encephalopathy, 5. Last evaluated: 2021-07-15. Review status: criteria provided, single submitter. Criteria: ACMG Guidelines, 2015. Collection method: clinical testing. Allele origin: germline. Affected: no.

Ambry Genetics
Classification: Likely benign for Inborn genetic diseases. Last evaluated: 2018-12-06. Review status: criteria provided, single submitter. Criteria: Ambry Variant Classification Scheme 2023. Collection method: clinical testing. Allele origin: germline.

GeneDx
Classification: Uncertain significance. Last evaluated: 2014-03-13. Review status: criteria provided, single submitter. Criteria: GeneDx Variant Classification (06012015). Collection method: clinical testing. Allele origin: germline. Affected: yes.
Comment: p.Val205Val (V205V): c.615 T>A NM_001130438.2 The c.615 T>A variant has not been published as a mutation, nor has it been reported as a benign polymorphism to our knowledge. It was not observed in approximately 6,500 individuals of European and African American ancestry in the NHLBI Exome Sequencing Project, indicating it is not a common benign variant in these populations. Multiple in silico models predict that the c.615 T>A variant could potentially create a cryptic donor site that may supplant the natural site. However, no splice mutations have been reported in the SPTAN1 gene to our knowledge, and in the absence of RNA/functional studies, the actual effect of the c.615 T>A sequence change is unknown. Therefore, based on the currently available information, it is unclear whether this variant is a pathogenic mutation or a rare benign variant. The variant is found in EPILEPSY panel(s).

PreventionGenetics, part of Exact Sciences
Classification: Likely benign for SPTAN1-related condition. Last evaluated: 2019-06-11. Review status: no assertion criteria provided. Collection method: clinical testing. Allele origin: germline. Not counted in ClinVar's aggregate classification.
Comment: This variant is classified as likely benign based on ACMG/AMP sequence variant interpretation guidelines (Richards et al. 2015 PMID: 25741868, with internal and published modifications).